The following is an entry in ClinVar:

NM_006214.4(PHYH):c.512G>T (p.Arg171Leu)

Gene: PHYH (phytanoyl-CoA 2-hydroxylase; minus strand). Cytogenetic location: 10p13.
Variant type: single nucleotide variant.
Coding change: c.512G>T on transcript NM_006214.4 (MANE Select); coding-DNA position 512, G replaced by T.
Protein change: p.Arg171Leu; replaces arginine 171 with leucine.
Molecular consequence: missense variant. On other transcripts: intron variant (1).
Genome position (GRCh38, 1-based): chr10:13,288,526, C>A on the plus strand (G>T on the coding strand, the complement: PHYH is on the minus strand). VCF-style: chr10-13288526-C-A. GRCh37 (hg19) VCF-style: chr10-13330526-C-A.
Other names: c.212G>T, p.Arg71Leu (NM_001037537.2, NM_001323080.2); c.518G>T, p.Arg173Leu (NM_001323082.2); c.218G>T, p.Arg73Leu (NM_001323084.2); c.415-4687G>T (NM_001323083.2); short protein forms R171L, R173L, R71L, R73L.
Identifiers: ClinVar variation 1402001 (VCV001402001.8), dbSNP rs752028596, ClinGen allele CA376035846.

ClinVar aggregate classification (germline): Uncertain significance (1 of 4 stars; one submission).

gnomAD v4.1: 1 of 1,614,042 alleles (0.000062%); highest among the groups gnomAD compares: Non-Finnish European, 0.000085%; no homozygotes.

Submission:

Labcorp Genetics (formerly Invitae), Labcorp
Classification: Uncertain significance. Last evaluated: 2025-02-03. Review status: criteria provided, single submitter. Criteria: Invitae Variant Classification Sherloc (09022015). Collection method: clinical testing. Allele origin: germline.
Comment: This sequence change replaces arginine, which is basic and polar, with leucine, which is neutral and non-polar, at codon 171 of the PHYH protein (p.Arg171Leu). This variant is not present in population databases (gnomAD no frequency). This variant has not been reported in the literature in individuals affected with PHYH-related conditions. ClinVar contains an entry for this variant (Variation ID: 1402001). Invitae Evidence Modeling of protein sequence and biophysical properties (such as structural, functional, and spatial information, amino acid conservation, physicochemical variation, residue mobility, and thermodynamic stability) indicates that this missense variant is not expected to disrupt PHYH protein function with a negative predictive value of 80%. In summary, the available evidence is currently insufficient to determine the role of this variant in disease. Therefore, it has been classified as a Variant of Uncertain Significance.